The following is an entry in ClinVar:

ClinVar aggregate classification (germline): Uncertain significance (1 of 4 stars; one submission).

Allele frequency attached by ClinVar (database versions not stated): gnomAD exomes below 0.00001.
gnomAD v4.1: 1 of 1,614,106 alleles (0.000062%); highest among the groups gnomAD compares: Admixed American, 0.0017%; no homozygotes.

Submission:

Labcorp Genetics (formerly Invitae), Labcorp
Classification: Uncertain significance. Last evaluated: 2023-06-03. Review status: criteria provided, single submitter. Criteria: Invitae Variant Classification Sherloc (09022015). Collection method: clinical testing. Allele origin: germline.
Comment: This sequence change replaces isoleucine, which is neutral and non-polar, with valine, which is neutral and non-polar, at codon 731 of the GSN protein (p.Ile731Val). This variant is not present in population databases (gnomAD no frequency). This variant has not been reported in the literature in individuals affected with GSN-related conditions. Advanced modeling of protein sequence and biophysical properties (such as structural, functional, and spatial information, amino acid conservation, physicochemical variation, residue mobility, and thermodynamic stability) performed at Invitae indicates that this missense variant is not expected to disrupt GSN protein function. In summary, the available evidence is currently insufficient to determine the role of this variant in disease. Therefore, it has been classified as a Variant of Uncertain Significance.

NM_198252.3(GSN):c.2038A>G (p.Ile680Val)

Gene: GSN (gelsolin; plus strand). Cytogenetic location: 9q33.2.
Variant type: single nucleotide variant.
Coding change: c.2038A>G on transcript NM_198252.3 (MANE Select); coding-DNA position 2038, A replaced by G.
Protein change: p.Ile680Val; replaces isoleucine 680 with valine.
Molecular consequence: missense variant.
Genome position (GRCh38, 1-based): chr9:121,332,445, A>G. VCF-style: chr9-121332445-A-G. GRCh37 (hg19) VCF-style: chr9-124094723-A-G.
Other names: c.2071A>G, p.Ile691Val (NM_001353070.2, NM_001353071.2, NM_001353072.2 and 13 more transcripts); c.2110A>G, p.Ile704Val (NM_001353076.2); c.1384A>G, p.Ile462Val (NM_001353078.2); c.2191A>G, p.Ile731Val (NM_000177.5); c.2038A>G, p.Ile680Val (NM_001127662.2, NM_001127664.2, NM_001127665.2 and 10 more transcripts); c.2146A>G, p.Ile716Val (NM_001127663.2); c.2089A>G, p.Ile697Val (NM_001258029.2); c.2062A>G, p.Ile688Val (NM_001258030.2); short protein forms I462V, I680V, I691V, I697V, I716V, I731V, I688V, I704V.
Identifiers: ClinVar variation 2792101 (VCV002792101.3), dbSNP rs2541455156, ClinGen allele CA374760355.
Genomic context (GRCh38, chr9:121,332,445, plus strand): 5'-AGGCACTAAGAATTCCTGGGGTTTCCTTTTCTTGCACGTGTGTCTGCAGCTAAGCGGTAC[A>G]TCGAGACGGACCCAGCCAATCGGGATCGGCGGACGCCCATCACCGTGGTGAAGCAAGGCT-3'
Protein context (NP_937895.1, residues 670-690): TEALTSAKRY[Ile680Val]ETDPANRDRR